The following is an entry in ClinVar:

NM_000360.4(TH):c.1282C>T (p.Gln428Ter)

Gene: TH (tyrosine hydroxylase; minus strand). Cytogenetic location: 11p15.5.
Variant type: single nucleotide variant.
Coding change: c.1282C>T on transcript NM_000360.4 (MANE Select); coding-DNA position 1282, C replaced by T.
Protein change: p.Gln428Ter; replaces glutamine 428 with a stop codon.
Molecular consequence: nonsense.
Genome position (GRCh38, 1-based): chr11:2,165,284, G>A on the plus strand (C>T on the coding strand, the complement: TH is on the minus strand). VCF-style: chr11-2165284-G-A. GRCh37 (hg19) VCF-style: chr11-2186514-G-A.
Other names: c.1375C>T, p.Gln459Ter (NM_199292.3); c.1363C>T, p.Gln455Ter (NM_199293.3); short protein forms Q428*, Q459*, Q455*.
Identifiers: ClinVar variation 188890 (VCV000188890.19), dbSNP rs786204540, ClinGen allele CA278473.

ClinVar aggregate classification (germline): Pathogenic. Review status: criteria provided, multiple submitters, no conflicts (2 of 4 stars). 8 submissions from 8 submitters: Pathogenic (7). 1 of the submissions does not count toward it. Last evaluated 2025-03-17.

Conditions:
TH-related disorder. Also called: TH-related condition.
TH-deficient dopa-responsive dystonia. Also called: Tyrosine Hydroxylase-Deficient Dopa-Responsive Dystonia; Segawa syndrome, autosomal recessive; DYT-TH. Identifiers: Orphanet 101150, MedGen C2673535, MONDO:0011551, OMIM 605407.

Allele frequency attached by ClinVar (database versions not stated): gnomAD exomes 0.00001; TOPMed 0.00002.
gnomAD v4.1: 6 of 1,612,864 alleles (0.00037%); highest among the groups gnomAD compares: Non-Finnish European, 0.00051%; no homozygotes.

Submissions (8):

Labcorp Genetics (formerly Invitae), Labcorp
Classification: Pathogenic for TH-deficient dopa-responsive dystonia. Last evaluated: 2025-03-17. Review status: criteria provided, single submitter. Criteria: Invitae Variant Classification Sherloc (09022015). Collection method: clinical testing. Allele origin: germline.
Comment: This sequence change creates a premature translational stop signal (p.Gln459*) in the TH gene. It is expected to result in an absent or disrupted protein product. Loss-of-function variants in TH are known to be pathogenic (PMID: 22264700, 24753243). This variant is not present in population databases (gnomAD no frequency). This premature translational stop signal has been observed in individual(s) with encephalopathy (PMID: 20430833). ClinVar contains an entry for this variant (Variation ID: 188890). Algorithms developed to predict the effect of sequence changes on RNA splicing suggest that this variant may disrupt the consensus splice site. For these reasons, this variant has been classified as Pathogenic.

PreventionGenetics, part of Exact Sciences
Classification: Pathogenic for TH-related condition. Last evaluated: 2025-03-12. Review status: criteria provided, single submitter. Criteria: ACMG Guidelines, 2015. Collection method: clinical testing. Allele origin: germline.
Comment: The TH c.1375C>T variant is predicted to result in premature protein termination (p.Gln459*). This variant was reported in the compound heterozygous state in an individual with tyrosine hydroxylase deficiency (Willemsen et al. 2010. PubMed ID: 20430833). This variant has not been reported in a large population database (gnomAD), indicating this variant is rare. In vitro functional studies in E. coli indicate that the p.Gln459* variant retained <0.2% residual enzymatic activity (Fossbakk. 2014. PubMed ID: 24753243). Nonsense variants in TH are expected to be pathogenic. This variant is interpreted as pathogenic.

Natera, Inc.
Classification: Pathogenic for Autosomal recessive Segawa syndrome. Last evaluated: 2025-01-15. Review status: criteria provided, single submitter. Criteria: Natera Variant Classification Schema (03/2026). Collection method: clinical testing. Allele origin: germline.
Comment: The c.1375C>T variant in TH is a nonsense variant predicted to introduce a stop codon at amino acid 459. This variant is expected to result in nonsense mediated decay, truncation, or a dysfunctional protein product. This variant is rare in the general population with a frequency below the threshold expected for the associated phenotype(s). This variant has been observed in one or more individuals affected with the associated recessive disease, as either homozygous or compound heterozygous with a second variant (PMID: 20430833). Given the available evidence, this variant is classified as Pathogenic.

Institute of Human Genetics Munich, TUM University Hospital
Classification: Pathogenic for TH-deficient dopa-responsive dystonia. Last evaluated: 2024-09-11. Review status: criteria provided, single submitter. Criteria: Classification criteria August 2017. Collection method: clinical testing. Allele origin: paternal. Inheritance: Autosomal recessive inheritance. Affected: yes. Observed: 1 variant allele.

Baylor Genetics
Classification: Pathogenic for TH-deficient dopa-responsive dystonia. Last evaluated: 2024-02-08. Review status: criteria provided, single submitter. Criteria: ACMG Guidelines, 2015. Collection method: clinical testing. Allele origin: unknown.

Laboratory of Medical Genetics, National & Kapodistrian University of Athens
Classification: Pathogenic for TH-deficient dopa-responsive dystonia. Last evaluated: 2024-02-01. Review status: criteria provided, single submitter. Criteria: ACMG Guidelines, 2015. Collection method: curation. Allele origin: germline. Affected: no.

Women's Health and Genetics/Laboratory Corporation of America, LabCorp
Classification: Pathogenic for TH-deficient dopa-responsive dystonia. Last evaluated: 2022-06-29. Review status: criteria provided, single submitter. Criteria: LabCorp Variant Classification Summary - May 2015. Collection method: clinical testing. Allele origin: germline.
Comment: Variant summary: TH c.1375C>T (p.Gln459X) results in a premature termination codon, predicted to cause a truncation of the encoded protein or absence of the protein due to nonsense mediated decay, which are commonly known mechanisms for disease. The variant was absent in 250386 control chromosomes. c.1375C>T has been reported in the literature in at least one individual affected with tyrosine hydroxylase deficiency in the compound heterozygous state (Willemsen_2010). The variant was studied in vitro and was shown to have no measurable enzyme activity (Fossbakk_2014). One clinical diagnostic laboratory has submitted clinical-significance assessments for this variant to ClinVar after 2014 without evidence for independent evaluation. One laboratory classified the variant as pathogenic. Based on the evidence outlined above, the variant was classified as pathogenic.

Counsyl
Classification: Likely pathogenic for Segawa syndrome, autosomal recessive. Last evaluated: 2014-07-18. Review status: no assertion criteria provided. Collection method: literature only. Allele origin: unknown. Inheritance: Autosomal recessive inheritance. Not counted in ClinVar's aggregate classification.

Literature cited by the submitters: PubMed 22264700 (cited by Labcorp Genetics (formerly Invitae), Labcorp); PubMed 24753243 (cited by 3 submitters); PubMed 20430833 (cited by 4 submitters).